The following is an entry in ClinVar:

ClinVar aggregate classification (germline): Likely pathogenic (1 of 4 stars; one submission).

Conditions:
Miyoshi muscular dystrophy 1 (MMD1). Identifiers: Orphanet 45448, MedGen C4551973, MONDO:0024545, OMIM 254130.
Autosomal recessive limb-girdle muscular dystrophy type 2B (LGMDR2). Also called: Limb-girdle muscular dystrophy, type 2B; Limb-Girdle Muscular Dystrophy Type 2B (LGMD2B); MUSCULAR DYSTROPHY, LIMB-GIRDLE, TYPE 3; MUSCULAR DYSTROPHY, LIMB-GIRDLE, AUTOSOMAL RECESSIVE 2. Identifiers: Orphanet 268, MedGen C1850889, MONDO:0009676, OMIM 253601.
Distal myopathy with anterior tibial onset. Identifiers: Orphanet 178400, MedGen C1847532, MONDO:0011721, OMIM 606768.

Submission:

Juno Genomics, Hangzhou Juno Genomics, Inc
Classification: Likely pathogenic for Miyoshi muscular dystrophy 1; Autosomal recessive limb-girdle muscular dystrophy type 2B; Distal myopathy with anterior tibial onset. Review status: criteria provided, single submitter. Criteria: ACMG Guidelines, 2015. Collection method: clinical testing. Allele origin: germline.
Comment: Null variant in a gene where loss of function (LOF) is a known mechanism of disease.;Absent from controls (or at extremely low frequency if recessive) in Genome Aggregation Database.

NM_001130987.2(DYSF):c.5035G>T (p.Glu1679Ter)

Gene: DYSF (dysferlin; plus strand). Cytogenetic location: 2p13.2.
Variant type: single nucleotide variant.
Coding change: c.5035G>T on transcript NM_001130987.2 (MANE Select); coding-DNA position 5035, G replaced by T.
Protein change: p.Glu1679Ter; replaces glutamic acid 1679 with a stop codon.
Molecular consequence: nonsense.
Genome position (GRCh38, 1-based): chr2:71,664,299, G>T. VCF-style: chr2-71664299-G-T. GRCh37 (hg19) VCF-style: chr2-71891429-G-T.
Other names: c.4921G>T, p.Glu1641Ter (NM_001130455.2); c.4876G>T, p.Glu1626Ter (NM_001130976.2); c.4939G>T, p.Glu1647Ter (NM_001130977.2); c.4981G>T, p.Glu1661Ter (NM_001130978.2); c.5011G>T, p.Glu1671Ter (NM_001130979.2); c.4969G>T, p.Glu1657Ter (NM_001130980.2); c.5032G>T, p.Glu1678Ter (NM_001130981.2); c.5014G>T, p.Glu1672Ter (NM_001130982.2); and 5 more; short protein forms E1627*, E1640*, E1647*, E1672*, E1626*, E1641*, E1657*, E1661*.
Identifiers: ClinVar variation 5006327 (VCV005006327.2).